The following is an entry in ClinVar:

ClinVar aggregate classification (germline): Uncertain significance (1 of 4 stars; one submission).

Submission:

Labcorp Genetics (formerly Invitae), Labcorp
Classification: Uncertain significance. Last evaluated: 2021-09-20. Review status: criteria provided, single submitter. Criteria: Invitae Variant Classification Sherloc (09022015). Collection method: clinical testing. Allele origin: germline.
Comment: This sequence change replaces serine with phenylalanine at codon 1690 of the VPS13C protein (p.Ser1690Phe). The serine residue is moderately conserved and there is a large physicochemical difference between serine and phenylalanine. This variant is not present in population databases (ExAC no frequency). This variant has not been reported in the literature in individuals affected with VPS13C-related conditions. Algorithms developed to predict the effect of missense changes on protein structure and function are either unavailable or do not agree on the potential impact of this missense change (SIFT: "Deleterious"; PolyPhen-2: "Possibly Damaging"; Align-GVGD: "Class C0"). In summary, the available evidence is currently insufficient to determine the role of this variant in disease. Therefore, it has been classified as a Variant of Uncertain Significance.

NM_020821.3(VPS13C):c.5069C>T (p.Ser1690Phe)

Gene: VPS13C (vacuolar protein sorting 13 homolog C; minus strand). Cytogenetic location: 15q22.2.
Variant type: single nucleotide variant.
Coding change: c.5069C>T on transcript NM_020821.3 (MANE Select); coding-DNA position 5069, C replaced by T.
Protein change: p.Ser1690Phe; replaces serine 1690 with phenylalanine.
Molecular consequence: missense variant.
Genome position (GRCh38, 1-based): chr15:61,945,794, G>A on the plus strand (C>T on the coding strand, the complement: VPS13C is on the minus strand). VCF-style: chr15-61945794-G-A. GRCh37 (hg19) VCF-style: chr15-62237993-G-A.
Other names: c.5069C>T, p.Ser1690Phe (NM_001018088.3); c.4940C>T, p.Ser1647Phe (NM_017684.5, NM_018080.4); short protein forms S1690F, S1647F.
Identifiers: ClinVar variation 1520397 (VCV001520397.5), dbSNP rs2044584298, ClinGen allele CA392691945.